The following is an entry in ClinVar:

ClinVar aggregate classification (germline): Likely benign (0 of 4 stars; one submission).

Conditions:
CHL1-related disorder. Also called: CHL1-related condition.

Allele frequency attached by ClinVar (database versions not stated): gnomAD 0.00005; ExAC 0.00007; TOPMed 0.00008; gnomAD exomes 0.00009; ESP Exome Variant Server 0.00015.
gnomAD v4.1: 138 of 1,612,580 alleles (0.0086%); highest among the groups gnomAD compares: Non-Finnish European, 0.011%; no homozygotes.

Submission:

PreventionGenetics, part of Exact Sciences
Classification: Likely benign for CHL1-related condition. Last evaluated: 2019-04-11. Review status: no assertion criteria provided. Collection method: clinical testing. Allele origin: germline.
Comment: This variant is classified as likely benign based on ACMG/AMP sequence variant interpretation guidelines (Richards et al. 2015 PMID: 25741868, with internal and published modifications).

NM_006614.4(CHL1):c.2172A>G (p.Pro724=)

Genes: CHL1 (cell adhesion molecule L1 like; plus strand), CHL1-AS1 (CHL1 antisense RNA 1; minus strand). Cytogenetic location: 3p26.3.
Variant type: single nucleotide variant.
Coding change: c.2172A>G on transcript NM_006614.4 (MANE Select); coding-DNA position 2172, A replaced by G.
Protein change: p.Pro724=; no amino-acid change (proline 724 retained).
Molecular consequence: synonymous variant. On other transcripts: non-coding transcript variant (1).
Genome position (GRCh38, 1-based): chr3:382,667, A>G. VCF-style: chr3-382667-A-G. GRCh37 (hg19) VCF-style: chr3-424350-A-G.
Other names: c.2124A>G, p.Pro708= (NM_001253387.2); c.2172A>G, p.Pro724= (NM_001253388.1).
Identifiers: ClinVar variation 3057254 (VCV003057254.2), dbSNP rs199513859, ClinGen allele CA2225025.